The following is an entry in ClinVar:

ClinVar aggregate classification (germline): Uncertain significance. Review status: criteria provided, multiple submitters, no conflicts (2 of 4 stars). 2 submissions from 2 submitters: Uncertain significance (2). Last evaluated 2026-01-06.

Conditions:
Inborn genetic diseases. Identifiers: MedGen C0950123, MeSH D030342.

Submissions (2):

Labcorp Genetics (formerly Invitae), Labcorp
Classification: Uncertain significance. Last evaluated: 2026-01-06. Review status: criteria provided, single submitter. Criteria: Invitae Variant Classification Sherloc (09022015). Collection method: clinical testing. Allele origin: germline.
Comment: This sequence change replaces aspartic acid, which is acidic and polar, with tyrosine, which is neutral and polar, at codon 242 of the COL11A1 protein (p.Asp242Tyr). This variant is not present in population databases (gnomAD no frequency). This variant has not been reported in the literature in individuals affected with COL11A1-related conditions. ClinVar contains an entry for this variant (Variation ID: 2719140). Invitae Evidence Modeling of protein sequence and biophysical properties (such as structural, functional, and spatial information, amino acid conservation, physicochemical variation, residue mobility, and thermodynamic stability) indicates that this missense variant is not expected to disrupt COL11A1 protein function with a negative predictive value of 95%. In summary, the available evidence is currently insufficient to determine the role of this variant in disease. Therefore, it has been classified as a Variant of Uncertain Significance.

Ambry Genetics
Classification: Uncertain significance for Inborn genetic diseases. Last evaluated: 2025-08-13. Review status: criteria provided, single submitter. Criteria: Ambry Variant Classification Scheme 2023. Collection method: clinical testing. Allele origin: germline.

NM_001854.4(COL11A1):c.724G>T (p.Asp242Tyr)

Gene: COL11A1 (collagen type XI alpha 1 chain; minus strand). Cytogenetic location: 1p21.1.
Variant type: single nucleotide variant.
Coding change: c.724G>T on transcript NM_001854.4 (MANE Select); coding-DNA position 724, G replaced by T.
Protein change: p.Asp242Tyr; replaces aspartic acid 242 with tyrosine.
Molecular consequence: missense variant. On other transcripts: non-coding transcript variant (1).
Genome position (GRCh38, 1-based): chr1:103,031,172, C>A on the plus strand (G>T on the coding strand, the complement: COL11A1 is on the minus strand). VCF-style: chr1-103031172-C-A. GRCh37 (hg19) VCF-style: chr1-103496728-C-A.
Other names: c.724G>T, p.Asp242Tyr (NM_001168249.1, NM_001190709.2, NM_080629.3 and 1 more transcripts); c.724G>T (NM_001854.3); short protein forms D242Y.
Identifiers: ClinVar variation 2719140 (VCV002719140.4), dbSNP rs2525671021, ClinGen allele CA341159505.